The following is an entry in ClinVar:

ClinVar aggregate classification (germline): Uncertain significance. Review status: criteria provided, multiple submitters, no conflicts (2 of 4 stars). 3 submissions from 3 submitters: Uncertain significance (3). Last evaluated 2025-08-11.

Conditions:
Neurofibromatosis, type 2 (SWNV). Also called: BILATERAL ACOUSTIC NEUROFIBROMATOSIS; SCHWANNOMATOSIS, VESTIBULAR; NF2-Related Schwannomatosis. Identifiers: Orphanet 637, MedGen C0027832, MONDO:0007039, OMIM 101000. Disease mechanism: loss of function.
Hereditary cancer-predisposing syndrome. Also called: Tumor predisposition; Hereditary Cancer Syndrome; Hereditary neoplastic syndrome; Neoplastic Syndromes, Hereditary. Identifiers: Orphanet 140162, MedGen C0027672, MeSH D009386, MONDO:0015356.

Submissions (3):

Labcorp Genetics (formerly Invitae), Labcorp
Classification: Uncertain significance for Neurofibromatosis, type 2. Last evaluated: 2025-08-11. Review status: criteria provided, single submitter. Criteria: Invitae Variant Classification Sherloc (09022015). Collection method: clinical testing. Allele origin: germline.
Comment: This variant, c.345_347del, results in the deletion of 1 amino acid(s) of the NF2 protein (p.Gln115del), but otherwise preserves the integrity of the reading frame. This variant is not present in population databases (gnomAD no frequency). This variant has not been reported in the literature in individuals affected with NF2-related conditions. ClinVar contains an entry for this variant (Variation ID: 823788). Experimental studies and prediction algorithms are not available or were not evaluated, and the functional significance of this variant is currently unknown. In summary, the available evidence is currently insufficient to determine the role of this variant in disease. Therefore, it has been classified as a Variant of Uncertain Significance.

Ambry Genetics
Classification: Uncertain significance for Hereditary cancer-predisposing syndrome. Last evaluated: 2025-05-05. Review status: criteria provided, single submitter. Criteria: Ambry Variant Classification Scheme 2023. Collection method: clinical testing. Allele origin: germline.
Comment: The c.345_347delACA variant (also known as p.Q115del) is located in coding exon 3 of the NF2 gene. This variant results from an in-frame ACA deletion at nucleotide positions 345 to 347. This results in the in-frame deletion of a glutamine at codon 115. This amino acid position is highly conserved in available vertebrate species. In addition, this alteration is predicted to be deleterious by in silico analysis (Choi Y et al. PLoS ONE. 2012; 7(10):e46688). Since supporting evidence is limited at this time, the clinical significance of this alteration remains unclear.

GeneDx
Classification: Uncertain significance. Last evaluated: 2022-12-25. Review status: criteria provided, single submitter. Criteria: GeneDx Variant Classification Process June 2021. Collection method: clinical testing. Allele origin: germline. Affected: yes.
Comment: Not observed at significant frequency in large population cohorts (gnomAD); In-frame deletion of 1 amino acid in a non-repeat region; Has not been previously published as pathogenic or benign to our knowledge; This variant is associated with the following publications: (PMID: 11756419, 16324214)

NM_000268.4(NF2):c.342ACA[1] (p.Gln115del)

Gene: NF2 (NF2, moesin-ezrin-radixin like (MERLIN) tumor suppressor; plus strand). Cytogenetic location: 22q12.2.
Variant type: Microsatellite.
Coding change: c.342ACA[1] on transcript NM_000268.4 (MANE Select); one copy of the 3-base unit ACA starting at c.342; the reference has two copies in a row; one copy, 3 bases deleted; also written c.345_347del.
Protein change: p.Gln115del; deletes glutamine 115.
Molecular consequence: inframe deletion. On other transcripts: non-coding transcript variant (1), intron variant (3).
Genome position (GRCh38, 1-based): chr22:29,639,194-29,639,196, ACA deleted; deleting any 3 consecutive bases within chr22:29,639,191-29,639,196 gives the same sequence; the position shown is the placement nearest the transcript's 3' end. VCF-style (leftmost placement, unchanged base first): chr22-29639190-CACA-C. GRCh37 (hg19) VCF-style: chr22-30035179-CACA-C.
Other names: c.342ACA[1], p.Gln115del (NM_016418.5, NM_181825.3, NM_181832.3 and 1 more transcripts); c.216ACA[1], p.Gln73del (NM_181828.3); c.240+2318_240+2320del (NM_181829.3); c.345_347delACA (NM_000268.3); c.115-3008_115-3006del (NM_181830.3, NM_181831.3); c.345_347del (NM_000268.3); short protein forms Q73del, Q115del.
Identifiers: ClinVar variation 823788 (VCV000823788.18), dbSNP rs1601583772, ClinGen allele CA915951367.